The following is an entry in ClinVar:

NM_198253.3(TERT):c.719G>C (p.Arg240Pro)

Gene: TERT (telomerase reverse transcriptase; minus strand). Cytogenetic location: 5p15.33.
Variant type: single nucleotide variant.
Coding change: c.719G>C on transcript NM_198253.3 (MANE Select); coding-DNA position 719, G replaced by C.
Protein change: p.Arg240Pro; replaces arginine 240 with proline.
Molecular consequence: missense variant. On other transcripts: non-coding transcript variant (2).
Genome position (GRCh38, 1-based): chr5:1,294,167, C>G on the plus strand (G>C on the coding strand, the complement: TERT is on the minus strand). VCF-style: chr5-1294167-C-G. GRCh37 (hg19) VCF-style: chr5-1294282-C-G.
Other names: c.719G>C, p.Arg240Pro (NM_001193376.3); short protein forms R240P.
Identifiers: ClinVar variation 5030623 (VCV005030623.1).

ClinVar aggregate classification (germline): Uncertain significance (1 of 4 stars; one submission).

Conditions:
Dyskeratosis congenita. Identifiers: Orphanet 1775, MedGen C0265965, MONDO:0015780.

Submission:

Ambry Genetics
Classification: Uncertain significance for Dyskeratosis congenita. Last evaluated: 2026-09-06. Review status: criteria provided, single submitter. Criteria: Ambry Variant Classification Scheme 2023. Collection method: clinical testing. Allele origin: germline.
Comment: The p.R240P variant (also known as c.719G>C), located in coding exon 2 of the TERT gene, results from a G to C substitution at nucleotide position 719. The arginine at codon 240 is replaced by proline, an amino acid with dissimilar properties. This amino acid position is conserved. In addition, this alteration is predicted to be tolerated by in silico analysis. Based on the available evidence, the clinical significance of this variant remains unclear.